The following is an entry in ClinVar:

NM_002451.4(MTAP):c.*15C>A

Gene: MTAP (methylthioadenosine phosphorylase; plus strand). Cytogenetic location: 9p21.3.
Variant type: single nucleotide variant.
Coding change: c.*15C>A on transcript NM_002451.4 (MANE Select); 15 bases downstream of the stop codon, C replaced by A.
Molecular consequence: 3 prime UTR variant.
Genome position (GRCh38, 1-based): chr9:21,862,029, C>A. VCF-style: chr9-21862029-C-A. GRCh37 (hg19) VCF-style: chr9-21862028-C-A.
Identifiers: ClinVar variation 915053 (VCV000915053.4), dbSNP rs754086497, ClinGen allele CA5012010.

ClinVar aggregate classification (germline): Benign (1 of 4 stars; one submission).

Conditions:
Diaphyseal medullary stenosis-bone malignancy syndrome. Also called: MYOPATHY, LIMB-GIRDLE, WITH BONE FRAGILITY; BONE DYSPLASIA WITH MALIGNANT FIBROUS HISTIOCYTOMA; BONE DYSPLASIA WITH MEDULLARY FIBROSARCOMA. Identifiers: Orphanet 85182, MedGen C1862177, MONDO:0007205, OMIM 112250.

gnomAD v4.1: 40 of 1,612,014 alleles (0.0025%); highest among the groups gnomAD compares: East Asian, 0.089%; no homozygotes.

Submission:

Illumina Laboratory Services, Illumina
Classification: Benign for Diaphyseal medullary stenosis-bone malignancy syndrome. Last evaluated: 2018-01-13. Review status: criteria provided, single submitter. Criteria: ICSL Variant Classification Criteria 13 December 2019. Collection method: clinical testing. Allele origin: germline.
Comment: This variant was observed in the ICSL laboratory as part of a predisposition screen in an ostensibly healthy population. It had not been previously curated by ICSL or reported in the Human Gene Mutation Database (HGMD: prior to June 1st, 2018), and was therefore a candidate for classification through an automated scoring system. Utilizing variant allele frequency, disease prevalence and penetrance estimates, and inheritance mode, an automated score was calculated to assess if this variant is too frequent to cause the disease. Based on the score and internal cut-off values, a variant classified as benign is not then subjected to further curation. The score for this variant resulted in a classification of benign for this disease.